The following is an entry in ClinVar:

ClinVar aggregate classification (germline): Uncertain significance (1 of 4 stars; one submission).

Conditions:
TTC21B-related disorder. Also called: TTC21B-related disorders; TTC21B-related condition.

Submission:

PreventionGenetics, part of Exact Sciences
Classification: Uncertain significance for TTC21B-related condition. Last evaluated: 2024-12-02. Review status: criteria provided, single submitter. Criteria: ACMG Guidelines, 2015. Collection method: clinical testing. Allele origin: germline.
Comment: The TTC21B c.1969A>G variant is predicted to result in the amino acid substitution p.Thr657Ala. To our knowledge, this variant has not been reported in the literature or in a large population database (gnomAD), indicating this variant is rare. At this time, the clinical significance of this variant is uncertain due to the absence of conclusive functional and genetic evidence.

NM_024753.5(TTC21B):c.1969A>G (p.Thr657Ala)

Gene: TTC21B (tetratricopeptide repeat domain 21B; minus strand). Cytogenetic location: 2q24.3.
Variant type: single nucleotide variant.
Coding change: c.1969A>G on transcript NM_024753.5 (MANE Select); coding-DNA position 1969, A replaced by G.
Protein change: p.Thr657Ala; replaces threonine 657 with alanine.
Molecular consequence: missense variant.
Genome position (GRCh38, 1-based): chr2:165,915,370, T>C on the plus strand (A>G on the coding strand, the complement: TTC21B is on the minus strand). VCF-style: chr2-165915370-T-C. GRCh37 (hg19) VCF-style: chr2-166771880-T-C.
Other names: short protein forms T657A.
Identifiers: ClinVar variation 5000233 (VCV005000233.1).